The following is an entry in ClinVar:

NM_000179.3(MSH6):c.3208G>T (p.Gly1070Cys)

Gene: MSH6 (mutS homolog 6; plus strand). Cytogenetic location: 2p16.3.
Variant type: single nucleotide variant.
Coding change: c.3208G>T on transcript NM_000179.3 (MANE Select); coding-DNA position 3208, G replaced by T.
Protein change: p.Gly1070Cys; replaces glycine 1070 with cysteine.
Molecular consequence: missense variant.
Genome position (GRCh38, 1-based): chr2:47,803,455, G>T. VCF-style: chr2-47803455-G-T. GRCh37 (hg19) VCF-style: chr2-48030594-G-T.
Other names: c.2818G>T, p.Gly940Cys (NM_001281492.2); c.2302G>T, p.Gly768Cys (NM_001281493.2, NM_001281494.2); short protein forms G1070C, G940C, G768C.
Identifiers: ClinVar variation 142042 (VCV000142042.4), dbSNP rs587782194, ClinGen allele CA011981.

ClinVar aggregate classification (germline): Uncertain significance (1 of 4 stars; one submission).

Conditions:
Hereditary cancer-predisposing syndrome. Also called: Neoplastic Syndromes, Hereditary; Tumor predisposition; Hereditary Cancer Syndrome; Hereditary neoplastic syndrome. Identifiers: Orphanet 140162, MedGen C0027672, MeSH D009386, MONDO:0015356.

Submission:

Ambry Genetics
Classification: Uncertain significance for Hereditary cancer-predisposing syndrome. Last evaluated: 2025-09-03. Review status: criteria provided, single submitter. Criteria: Ambry Variant Classification Scheme 2023. Collection method: clinical testing. Allele origin: germline.
Comment: The p.G1070C variant (also known as c.3208G>T), located in coding exon 5 of the MSH6 gene, results from a G to T substitution at nucleotide position 3208. The glycine at codon 1070 is replaced by cysteine, an amino acid with highly dissimilar properties. This amino acid position is well conserved in available vertebrate species. In addition, the in silico prediction for this alteration is inconclusive. Based on the available evidence, the clinical significance of this variant remains unclear.